The following is an entry in ClinVar:

NM_014862.4(ARNT2):c.1869G>T (p.Ser623=)

Genes: ARNT2 (aryl hydrocarbon receptor nuclear translocator 2; plus strand), ARNT2-AS1 (ARNT2 antisense RNA 1; minus strand). Cytogenetic location: 15q25.1.
Variant type: single nucleotide variant.
Coding change: c.1869G>T on transcript NM_014862.4 (MANE Select); coding-DNA position 1869, G replaced by T.
Protein change: p.Ser623=; no amino-acid change (serine 623 retained).
Molecular consequence: synonymous variant.
Genome position (GRCh38, 1-based): chr15:80,581,355, G>T. VCF-style: chr15-80581355-G-T. GRCh37 (hg19) VCF-style: chr15-80873696-G-T.
Identifiers: ClinVar variation 3389212 (VCV003389212.14).

ClinVar aggregate classification (germline): Likely benign (1 of 4 stars; one submission).

gnomAD v4.1: 1 of 1,614,104 alleles (0.000062%); highest among the groups gnomAD compares: Non-Finnish European, 0.000085%; no homozygotes.

Submission:

CeGaT Center for Human Genetics Tuebingen
Classification: Likely benign. Last evaluated: 2024-11-01. Review status: criteria provided, single submitter. Criteria: CeGaT Center For Human Genetics Tuebingen Variant Classification Criteria Version 2. Collection method: clinical testing. Allele origin: germline. Affected: yes. Observed: 1 variant allele.
Comment: ARNT2: BP4, BP7